The following is an entry in ClinVar:

ClinVar aggregate classification (germline): Uncertain significance. Review status: criteria provided, multiple submitters, no conflicts (2 of 4 stars). 2 submissions from 2 submitters: Uncertain significance (2). Last evaluated 2025-08-06.

Conditions:
Intellectual developmental disorder, autosomal dominant 1. Also called: MBD5 Haploinsufficiency; Intellectual disability, autosomal dominant 1. Identifiers: Orphanet 228402, MedGen C1969562, MONDO:0007974, OMIM 156200.
MBD5-related disorder. Also called: MBD5-related condition.

gnomAD v4.1: 2 of 1,613,740 alleles (0.00012%); highest among the groups gnomAD compares: Non-Finnish European, 0.00017%; no homozygotes.

Submissions (2):

Labcorp Genetics (formerly Invitae), Labcorp
Classification: Uncertain significance for Intellectual developmental disorder, autosomal dominant 1. Last evaluated: 2025-08-06. Review status: criteria provided, single submitter. Criteria: Invitae Variant Classification Sherloc (09022015). Collection method: clinical testing. Allele origin: germline.
Comment: This sequence change replaces histidine, which is basic and polar, with glutamine, which is neutral and polar, at codon 153 of the MBD5 protein (p.His153Gln). This variant is not present in population databases (gnomAD no frequency). This variant has not been reported in the literature in individuals affected with MBD5-related conditions. Invitae Evidence Modeling of protein sequence and biophysical properties (such as structural, functional, and spatial information, amino acid conservation, physicochemical variation, residue mobility, and thermodynamic stability) indicates that this missense variant is not expected to disrupt MBD5 protein function with a negative predictive value of 80%. In summary, the available evidence is currently insufficient to determine the role of this variant in disease. Therefore, it has been classified as a Variant of Uncertain Significance.

PreventionGenetics, part of Exact Sciences
Classification: Uncertain significance for MBD5-related condition. Last evaluated: 2024-11-14. Review status: criteria provided, single submitter. Criteria: ACMG Guidelines, 2015. Collection method: clinical testing. Allele origin: germline.
Comment: The MBD5 c.459T>G variant is predicted to result in the amino acid substitution p.His153Gln. To our knowledge, this variant has not been reported in the literature. This variant is reported in 0.00088% of alleles in individuals of European (Non-Finnish) descent in gnomAD. At this time, the clinical significance of this variant is uncertain due to the absence of conclusive functional and genetic evidence.

NM_001378120.1(MBD5):c.459T>G (p.His153Gln)

Gene: MBD5 (methyl-CpG binding domain protein 5; plus strand). Cytogenetic location: 2q23.1.
Variant type: single nucleotide variant.
Coding change: c.459T>G on transcript NM_001378120.1 (MANE Select); coding-DNA position 459, T replaced by G.
Protein change: p.His153Gln; replaces histidine 153 with glutamine.
Molecular consequence: missense variant.
Genome position (GRCh38, 1-based): chr2:148,468,402, T>G. VCF-style: chr2-148468402-T-G. GRCh37 (hg19) VCF-style: chr2-149225971-T-G.
Other names: c.459T>G (NM_018328.4); c.459T>G, p.His153Gln (NM_001438854.1, NM_001438855.1, NM_001438856.1 and 7 more transcripts); short protein forms H153Q.
Identifiers: ClinVar variation 4705957 (VCV004705957.2).
Genomic context (GRCh38, chr2:148,468,402, plus strand): 5'-TGCAACTCCAGTAGTACCTTCTCGGGCAGCAACTCCAAGATCAGTAAGAAATAAGTCTCA[T>G]GAAGGAATTACAAATTCTGTAATGCCTGAATGTAAGAATCCTTTCAAGTTAATGATTGGA-3'
Protein context (NP_001365049.1, residues 143-163): ATPRSVRNKS[His153Gln]EGITNSVMPE